The following is an entry in ClinVar:

ClinVar aggregate classification (germline): Conflicting classifications of pathogenicity. Review status: criteria provided, conflicting classifications (1 of 4 stars). 14 submissions from 14 submitters: Uncertain significance (7); Likely benign (5). 2 of the submissions do not count toward it. Last evaluated 2026-02-03.

Conditions:
Classic or attenuated familial adenomatous polyposis. Identifiers: MedGen CN372698, MONDO:0021057.
APC-related disorder. Also called: APC-related condition.
Hereditary cancer-predisposing syndrome. Also called: Tumor predisposition; Hereditary neoplastic syndrome; Neoplastic Syndromes, Hereditary; Hereditary Cancer Syndrome. Identifiers: Orphanet 140162, MedGen C0027672, MeSH D009386, MONDO:0015356.
Familial adenomatous polyposis 1 (FAP1). Also called: FAMILIAL ADENOMATOUS POLYPOSIS 1, ATTENUATED; POLYPOSIS, ADENOMATOUS INTESTINAL. Identifiers: MedGen C2713442, MONDO:0021056, OMIM 175100. Disease mechanism: loss of function.

Allele frequency attached by ClinVar (database versions not stated): gnomAD 0.00003; TOPMed 0.00005.
gnomAD v4.1: 142 of 1,613,704 alleles (0.0088%); highest among the groups gnomAD compares: Non-Finnish European, 0.012%; no homozygotes.

Submissions (14):

Labcorp Genetics (formerly Invitae), Labcorp
Classification: Likely benign for Familial adenomatous polyposis 1. Last evaluated: 2026-02-03. Review status: criteria provided, single submitter. Criteria: Invitae Variant Classification Sherloc (09022015). Collection method: clinical testing. Allele origin: germline.

PreventionGenetics, part of Exact Sciences
Classification: Uncertain significance for APC-related condition. Last evaluated: 2025-12-16. Review status: criteria provided, single submitter. Criteria: ACMG Guidelines, 2015. Collection method: clinical testing. Allele origin: germline.
Comment: The APC c.5635G>T variant is predicted to result in the amino acid substitution p.Ala1879Ser. This variant has been reported in a patient undergoing testing for Lynch syndrome (Yurgelun et al. 2015. PubMed ID: 25980754) and in a patient with a personal and family history of breast and ovarian cancer (Supp. Table 3, de Oliveira et al. 2022. PubMed ID: 35534704). This variant is reported in 0.010% of alleles in individuals of East Asian descent in gnomAD, which is likely too common to be a primary cause of disease. This variant has conflicting interpretations regarding its pathogenicity in ClinVar, ranging from likely benign to uncertain (Variation ID: 127307). Although we suspect this variant may be benign, at this time, the clinical significance of this variant is uncertain due to the absence of conclusive functional and genetic evidence.

Women's Health and Genetics/Laboratory Corporation of America, LabCorp
Classification: Likely benign. Last evaluated: 2025-07-10. Review status: criteria provided, single submitter. Criteria: LabCorp Variant Classification Summary - May 2015. Collection method: clinical testing. Allele origin: germline.
Comment: Variant summary: APC c.5635G>T (p.Ala1879Ser) results in a conservative amino acid change in the encoded protein sequence. Algorithms developed to predict the effect of missense changes on protein structure and function are either unavailable or do not agree on the potential impact of this missense change. The variant allele was found at a frequency of 8.8e-05 in 1613704 control chromosomes, predominantly at a frequency of 0.00012 within the Non-Finnish European subpopulation in the gnomAD database. The observed variant frequency within Non-Finnish European control individuals in the gnomAD database is approximately 1.68 fold of the estimated maximal expected allele frequency for a pathogenic variant in APC causing Familial Adenomatous Polyposis phenotype (7.1e-05). c.5635G>T has been observed in settings of multigene panel testing in individuals affected with or suspected of hereditary cancer syndromes such as Lynch Syndrome or Hereditary Breast and Ovarian Cancer Syndrome, but without strong evidence for causality (e.g. Yurgelun_2015, Bhai_2021, de Oliveira_2022, Barati_2024). These reports do not provide unequivocal conclusions about association of the variant with Familial Adenomatous Polyposis or other ATM-related disorders. To our knowledge, no experimental evidence demonstrating an impact on protein function has been reported. The following publications have been ascertained in the context of this evaluation (PMID: 39148954, 34326862, 25980754, 26580448, 35534704). ClinVar contains an entry for this variant (Variation ID: 127307). Based on the evidence outlined above, the variant was classified as likely benign.

Color Diagnostics, LLC DBA Color Health
Classification: Likely benign for Hereditary cancer-predisposing syndrome. Last evaluated: 2025-03-04. Review status: criteria provided, single submitter. Criteria: ACMG Guidelines, 2015. Collection method: clinical testing. Allele origin: germline.

Quest Diagnostics Nichols Institute San Juan Capistrano
Classification: Uncertain significance. Last evaluated: 2024-08-27. Review status: criteria provided, single submitter. Criteria: Quest Diagnostics criteria. Collection method: clinical testing. Allele origin: unknown.
Comment: The APC c.5635G>T (p.Ala1879Ser) variant has been reported in the published literature in an individual with suspected Lynch syndrome (PMID: 25980754 (2015)), and individuals with breast cancer (PMID: 35534704 (2022), 34326862 (2021)). The frequency of this variant in the general population, 0.000039 (5/128744 chromosomes (Genome Aggregation Database)), is uninformative in the assessment of its pathogenicity. Analysis of this variant using bioinformatics tools for the prediction of the effect of amino acid changes on protein structure and function yielded conflicting predictions that this variant is deleterious or benign. Based on the available information, we are unable to determine the clinical significance of this variant.

All of Us Research Program, National Institutes of Health
Classification: Uncertain significance for Classic or attenuated familial adenomatous polyposis. Last evaluated: 2024-08-06. Review status: criteria provided, single submitter. Criteria: ACMG Guidelines, 2015. Collection method: clinical testing. Allele origin: germline. Inheritance: Autosomal dominant inheritance. Observed: 23 variant alleles, 23 heterozygotes.
Comment: This missense variant replaces alanine with serine at codon 1879 of the APC protein. Computational prediction suggests that this variant may not impact protein structure and function (internally defined REVEL score threshold <= 0.5, PMID: 27666373). To our knowledge, functional studies have not been reported for this variant. This variant has been reported in an individual affected with Lynch syndrome associated cancer and/or polyps (PMID: 25980754) and in an individual affected with acute lymphoblastic leukemia (PMID: 26580448). This variant has also been identified in 8/282274 chromosomes in the general population by the Genome Aggregation Database (gnomAD). The available evidence is insufficient to determine the role of this variant in disease conclusively. Therefore, this variant is classified as a Variant of Uncertain Significance.

This study involves interpretation of variants in research participants for the purpose of population health screening. Participant phenotype was not available at the time of variant classification. Additional details can be found in publication PMID: 35346344, PMCID: PMC8962531

CeGaT Center for Human Genetics Tuebingen
Classification: Uncertain significance. Last evaluated: 2024-04-01. Review status: criteria provided, single submitter. Criteria: CeGaT Center For Human Genetics Tuebingen Variant Classification Criteria Version 2. Collection method: clinical testing. Allele origin: germline. Affected: yes. Observed: 1 variant allele.
Comment: APC: PM2:Supporting, BP1

Myriad Genetics, Inc.
Classification: Uncertain significance for Familial adenomatous polyposis 1. Last evaluated: 2023-02-22. Review status: criteria provided, single submitter. Criteria: Myriad Autosomal Dominant, Autosomal Recessive and X-Linked Classification Criteria (2023). Collection method: clinical testing. Allele origin: unknown.
Comment: This variant is classified as a variant of uncertain significance as there is insufficient evidence to determine its impact on protein function and/or cancer risk.

Institute for Clinical Genetics, University Hospital TU Dresden, University Hospital TU Dresden
Classification: Uncertain significance. Last evaluated: 2021-11-03. Review status: criteria provided, single submitter. Criteria: ACMG Guidelines, 2015. Collection method: clinical testing. Allele origin: germline.

Sema4
Classification: Uncertain significance for Hereditary cancer-predisposing syndrome. Last evaluated: 2021-06-20. Review status: criteria provided, single submitter. Criteria: Sema4 Curation Guidelines. Collection method: curation. Allele origin: germline.
Comment: The APC c.5635G>T (p.A1879S) variant has been reported in at least 1 individual undergoing testing for Lynch Syndrome and 1 individual with pediatric cancer (PMIDs: 25980754, 26580448). This variant was observed in 2/19936 chromosomes in the East Asian population, according to the Genome Aggregation Database (PMID: 32461654). This variant has been reported in ClinVar (Variation ID 127307). In silico tools suggest the impact of the variant on protein function is inconclusive, though these predictions have not been confirmed by functional studies. The overall evidence is insufficient to meet ACMG/AMP criteria for classifying it as benign or pathogenic. In summary, the clinical significance of this variant is currently uncertain.

GeneDx
Classification: Likely benign. Last evaluated: 2021-05-10. Review status: criteria provided, single submitter. Criteria: GeneDx Variant Classification Process June 2021. Collection method: clinical testing. Allele origin: germline. Affected: yes.
Comment: This variant is associated with the following publications: (PMID: 25980754, 26580448, 27329244)

Ambry Genetics
Classification: Likely benign for Hereditary cancer-predisposing syndrome. Last evaluated: 2019-05-02. Review status: criteria provided, single submitter. Criteria: Ambry Variant Classification Scheme 2023. Collection method: clinical testing. Allele origin: germline.

Counsyl
Classification: Uncertain significance for Familial adenomatous polyposis 1. Last evaluated: 2016-05-03. Review status: no assertion criteria provided. Collection method: clinical testing. Allele origin: unknown. Not counted in ClinVar's aggregate classification.

Department of Pathology and Laboratory Medicine, Sinai Health System
Classification: Uncertain significance. Review status: no assertion criteria provided. Collection method: clinical testing. Allele origin: unknown. Affected: yes. Study: The Canadian Open Genetics Repository (COGR). Not counted in ClinVar's aggregate classification.
Comment: The APC p.Ala1861Ser variant was identified in dbSNP (ID: rs587779799), ClinVar (classified as likely benign by Ambry Genetics and as a VUS by GeneDx, Invitae, Counsyl and Color for familial adenomatous polyposis 1 and hereditary cancer-predisposing syndrome) and Cosmic (FATHMM prediction of pathogenic; score=0.99) but was not identified in LOVD 3.0. The p.Ala1861Ser (alias p.A1879S) variant was identified in 1/1260 individuals undergoing Lynch syndrome testing and classified as a VUS, and was identified in a cohort of 1120 patients with pediatric cancers (Yurgelun_2015_PMID: 25980754; Zhang_2015_PMID: 26580448). The variant was identified in control databases in 8 of 282274 chromosomes at a frequency of 0.000028 (Genome Aggregation Database Feb 27, 2017). The variant was observed in the following populations: East Asian in 2 of 19936 chromosomes (freq: 0.0001), African in 1 of 24908 chromosomes (freq: 0.00004) and European (non-Finnish) in 5 of 128744 chromosomes (freq: 0.000039); it was not observed in the Latino, Ashkenazi Jewish, European (Finnish), Other and South Asian populations. The variant occurs outside the splicing consensus sequence and in silico or computational prediction software programs (SpliceSiteFinder, MaxEntScan, NNSPLICE, GeneSplicer) do not predict a difference in splicing. The p.Ala1861 residue is conserved in in mammals but not in more distantly related organisms however computational analyses (PolyPhen-2, SIFT, AlignGVGD, BLOSUM) do not suggest a high likelihood of impact to the protein; this information is not predictive enough to rule out pathogenicity. In summary, based on the above information the clinical significance of this variant cannot be determined with certainty at this time. This variant is classified as a variant of uncertain significance.

Literature cited by the submitters: PubMed 25980754 (cited by 4 submitters); PubMed 26580448 (cited by 3 submitters); PubMed 34326862 (cited by Women's Health and Genetics/Laboratory Corporation of America, LabCorp and Quest Diagnostics Nichols Institute San Juan Capistrano); PubMed 35534704 (cited by Women's Health and Genetics/Laboratory Corporation of America, LabCorp and Quest Diagnostics Nichols Institute San Juan Capistrano); PubMed 39148954 (cited by Women's Health and Genetics/Laboratory Corporation of America, LabCorp); PubMed 27329244 (cited by Quest Diagnostics Nichols Institute San Juan Capistrano).

NM_000038.6(APC):c.5635G>T (p.Ala1879Ser)

Gene: APC (APC regulator of Wnt signaling pathway; plus strand). Cytogenetic location: 5q22.2.
Variant type: single nucleotide variant.
Coding change: c.5635G>T on transcript NM_000038.6 (MANE Select); coding-DNA position 5635, G replaced by T.
Protein change: p.Ala1879Ser; replaces alanine 1879 with serine.
Molecular consequence: missense variant.
Genome position (GRCh38, 1-based): chr5:112,841,229, G>T. VCF-style: chr5-112841229-G-T. GRCh37 (hg19) VCF-style: chr5-112176926-G-T.
Other names: p.A1879S:GCT>TCT; c.5635G>T, p.Ala1879Ser (NM_001127510.3, NM_001354895.2); c.5581G>T, p.Ala1861Ser (NM_001127511.3); c.5689G>T, p.Ala1897Ser (NM_001354896.2); c.5665G>T, p.Ala1889Ser (NM_001354897.2); c.5560G>T, p.Ala1854Ser (NM_001354898.2); c.5551G>T, p.Ala1851Ser (NM_001354899.2); c.5512G>T, p.Ala1838Ser (NM_001354900.2); and 6 more; short protein forms A1879S, A1861S, A1778S, A1596S, A1719S, A1753S, A1820S, A1838S.
Identifiers: ClinVar variation 127307 (VCV000127307.60), dbSNP rs587779799, ClinGen allele CA010547.